The following is an entry in ClinVar:

ClinVar aggregate classification (germline): Uncertain significance (1 of 4 stars; one submission).

gnomAD v4.1: 1 of 1,614,158 alleles (0.000062%); no homozygotes.

Submission:

Ambry Genetics
Classification: Uncertain significance. Last evaluated: 2024-08-07. Review status: criteria provided, single submitter. Criteria: Ambry Variant Classification Scheme 2023. Collection method: clinical testing. Allele origin: germline.
Comment: The p.R1074* variant (also known as c.3220C>T), located in coding exon 28 of the KIF1B gene, results from a C to T substitution at nucleotide position 3220. This changes the amino acid from an arginine to a stop codon within coding exon 28. This alteration is expected to result in premature protein truncation or nonsense-mediated mRNA decay. The evidence for this gene-disease relationship is limited; therefore, the clinical significance of this alteration is unclear.

NM_001365951.3(KIF1B):c.3358C>T (p.Arg1120Ter)

Gene: KIF1B (kinesin family member 1B; plus strand). Cytogenetic location: 1p36.22.
Variant type: single nucleotide variant.
Coding change: c.3358C>T on transcript NM_001365951.3 (MANE Select); coding-DNA position 3358, C replaced by T.
Protein change: p.Arg1120Ter; replaces arginine 1120 with a stop codon.
Molecular consequence: nonsense.
Genome position (GRCh38, 1-based): chr1:10,337,469, C>T. VCF-style: chr1-10337469-C-T. GRCh37 (hg19) VCF-style: chr1-10397527-C-T.
Other names: c.3358C>T, p.Arg1120Ter (NM_001365952.1); c.3220C>T, p.Arg1074Ter (NM_015074.3); short protein forms R1074*, R1120*.
Identifiers: ClinVar variation 1729079 (VCV001729079.3), dbSNP rs779498968, ClinGen allele CA338340592.